The following is an entry in ClinVar:

ClinVar aggregate classification (germline): Uncertain significance (1 of 4 stars; one submission).

Allele frequency attached by ClinVar (database versions not stated): TOPMed below 0.00001.

Submission:

Ambry Genetics
Classification: Uncertain significance. Last evaluated: 2021-09-18. Review status: criteria provided, single submitter. Criteria: Ambry Variant Classification Scheme 2023. Collection method: clinical testing. Allele origin: germline.
Comment: The p.Q155E variant (also known as c.463C>G), located in coding exon 3 of the MNDA gene, results from a C to G substitution at nucleotide position 463. The glutamine at codon 155 is replaced by glutamic acid, an amino acid with highly similar properties. This amino acid position is conserved. In addition, this alteration is predicted to be tolerated by in silico analysis. Since supporting evidence is limited at this time, the clinical significance of this alteration remains unclear.

NM_002432.3(MNDA):c.463C>G (p.Gln155Glu)

Gene: MNDA (myeloid cell nuclear differentiation antigen; plus strand). Cytogenetic location: 1q23.1.
Variant type: single nucleotide variant.
Coding change: c.463C>G on transcript NM_002432.3 (MANE Select); coding-DNA position 463, C replaced by G.
Protein change: p.Gln155Glu; replaces glutamine 155 with glutamic acid.
Molecular consequence: missense variant.
Genome position (GRCh38, 1-based): chr1:158,844,015, C>G. VCF-style: chr1-158844015-C-G. GRCh37 (hg19) VCF-style: chr1-158813805-C-G.
Other names: short protein forms Q155E.
Identifiers: ClinVar variation 1742083 (VCV001742083.2), dbSNP rs1659084031, ClinGen allele CA343039254.